The following is an entry in ClinVar:

NM_004370.6(COL12A1):c.6860A>C (p.Lys2287Thr)

Gene: COL12A1 (collagen type XII alpha 1 chain; minus strand). Cytogenetic location: 6q13.
Variant type: single nucleotide variant.
Coding change: c.6860A>C on transcript NM_004370.6 (MANE Select); coding-DNA position 6860, A replaced by C.
Protein change: p.Lys2287Thr; replaces lysine 2287 with threonine.
Molecular consequence: missense variant.
Genome position (GRCh38, 1-based): chr6:75,123,959, T>G on the plus strand (A>C on the coding strand, the complement: COL12A1 is on the minus strand). VCF-style: chr6-75123959-T-G. GRCh37 (hg19) VCF-style: chr6-75833675-T-G.
Other names: c.3368A>C, p.Lys1123Thr (NM_080645.3); short protein forms K1123T, K2287T.
Identifiers: ClinVar variation 1320915 (VCV001320915.11), dbSNP rs993593939, ClinGen allele CA140982061.

ClinVar aggregate classification (germline): Uncertain significance. Review status: criteria provided, multiple submitters, no conflicts (2 of 4 stars). 5 submissions from 5 submitters: Uncertain significance (5). Last evaluated 2025-12-04.

Conditions:
Inborn genetic diseases. Identifiers: MedGen C0950123, MeSH D030342.
Ullrich congenital muscular dystrophy 2 (UCMD2). Identifiers: Orphanet 75840, MedGen C4225314, MONDO:0014654, OMIM 616470.
Bethlem myopathy 2 (BTHLM2). Identifiers: Orphanet 536516, Orphanet 610, MedGen C4225313, MONDO:0034022, OMIM 616471.

Allele frequency attached by ClinVar (database versions not stated): gnomAD 0.00002; TOPMed 0.00002; gnomAD exomes 0.00005.
gnomAD v4.1: 74 of 1,611,016 alleles (0.0046%); highest among the groups gnomAD compares: Non-Finnish European, 0.0063%; no homozygotes.

Submissions (5):

Labcorp Genetics (formerly Invitae), Labcorp
Classification: Uncertain significance for Bethlem myopathy 2; Ullrich congenital muscular dystrophy 2. Last evaluated: 2025-12-04. Review status: criteria provided, single submitter. Criteria: Invitae Variant Classification Sherloc (09022015). Collection method: clinical testing. Allele origin: germline.
Comment: This sequence change replaces lysine, which is basic and polar, with threonine, which is neutral and polar, at codon 2287 of the COL12A1 protein (p.Lys2287Thr). This variant is present in population databases (no rsID available, gnomAD 0.01%). This variant has not been reported in the literature in individuals affected with COL12A1-related conditions. ClinVar contains an entry for this variant (Variation ID: 1320915). Invitae Evidence Modeling of protein sequence and biophysical properties (such as structural, functional, and spatial information, amino acid conservation, physicochemical variation, residue mobility, and thermodynamic stability) indicates that this missense variant is not expected to disrupt COL12A1 protein function with a negative predictive value of 80%. In summary, the available evidence is currently insufficient to determine the role of this variant in disease. Therefore, it has been classified as a Variant of Uncertain Significance.

Ambry Genetics
Classification: Uncertain significance for Inborn genetic diseases. Last evaluated: 2025-04-29. Review status: criteria provided, single submitter. Criteria: Ambry Variant Classification Scheme 2023. Collection method: clinical testing. Allele origin: germline.

Blueprint Genetics
Classification: Uncertain significance. Last evaluated: 2024-09-23. Review status: criteria provided, single submitter. Criteria: ACMG Guidelines, 2015. Collection method: clinical testing. Allele origin: germline.

Revvity Omics, Revvity
Classification: Uncertain significance. Last evaluated: 2024-05-02. Review status: criteria provided, single submitter. Criteria: ACMG Guidelines, 2015. Collection method: clinical testing. Allele origin: germline.

GeneDx
Classification: Uncertain significance. Last evaluated: 2020-02-05. Review status: criteria provided, single submitter. Criteria: GeneDx Variant Classification Process June 2021. Collection method: clinical testing. Allele origin: germline. Affected: yes.
Comment: Has not been previously published as pathogenic or benign to our knowledge; In silico analysis supports that this missense variant does not alter protein structure/function